The following is an entry in ClinVar:

ClinVar aggregate classification (germline): Uncertain significance (1 of 4 stars; one submission).

Allele frequency attached by ClinVar (database versions not stated): gnomAD exomes 0.00001; TOPMed 0.00001.

Submission:

Labcorp Genetics (formerly Invitae), Labcorp
Classification: Uncertain significance. Last evaluated: 2025-06-22. Review status: criteria provided, single submitter. Criteria: Invitae Variant Classification Sherloc (09022015). Collection method: clinical testing. Allele origin: germline.
Comment: This sequence change replaces leucine, which is neutral and non-polar, with proline, which is neutral and non-polar, at codon 230 of the MMP13 protein (p.Leu230Pro). This variant is not present in population databases (gnomAD no frequency). This variant has not been reported in the literature in individuals affected with MMP13-related conditions. ClinVar contains an entry for this variant (Variation ID: 1384613). Invitae Evidence Modeling of protein sequence and biophysical properties (such as structural, functional, and spatial information, amino acid conservation, physicochemical variation, residue mobility, and thermodynamic stability) indicates that this missense variant is expected to disrupt MMP13 protein function with a positive predictive value of 80%. In summary, the available evidence is currently insufficient to determine the role of this variant in disease. Therefore, it has been classified as a Variant of Uncertain Significance.

NM_002427.4(MMP13):c.689T>C (p.Leu230Pro)

Gene: MMP13 (matrix metallopeptidase 13; minus strand). Cytogenetic location: 11q22.2.
Variant type: single nucleotide variant.
Coding change: c.689T>C on transcript NM_002427.4 (MANE Select); coding-DNA position 689, T replaced by C.
Protein change: p.Leu230Pro; replaces leucine 230 with proline.
Molecular consequence: missense variant.
Genome position (GRCh38, 1-based): chr11:102,952,122, A>G on the plus strand (T>C on the coding strand, the complement: MMP13 is on the minus strand). VCF-style: chr11-102952122-A-G. GRCh37 (hg19) VCF-style: chr11-102822851-A-G.
Other names: short protein forms L230P.
Identifiers: ClinVar variation 1384613 (VCV001384613.8), dbSNP rs1860623324, ClinGen allele CA382229307.
Genomic context (GRCh38, chr11:102,952,122, plus strand): 5'-CTTTTGCCGGTGTAGGTGTAGATAGGAAACATGAGTGCTCCAGGGTCCTTGGAGTGGTCA[A>G]GACCTAAGGAGTGGCCGAACTCATGCGCAGCAACAAGAAACAAGTTGTAGCCTGTAAGAA-3'
Protein context (NP_002418.1, residues 220-240): AAHEFGHSLG[Leu230Pro]DHSKDPGALM